The following is an entry in ClinVar:

ClinVar aggregate classification (germline): Benign/Likely benign. Review status: criteria provided, multiple submitters, no conflicts (2 of 4 stars). 8 submissions from 8 submitters: Benign (2); Likely benign (5). 1 of the submissions does not count toward it. Last evaluated 2026-07-09.

Conditions:
Hereditary cancer-predisposing syndrome. Also called: Neoplastic Syndromes, Hereditary; Tumor predisposition; Hereditary Cancer Syndrome; Hereditary neoplastic syndrome. Identifiers: Orphanet 140162, MedGen C0027672, MeSH D009386, MONDO:0015356.
Rhabdoid tumor predisposition syndrome 2 (RTPS2). Identifiers: Orphanet 231108, Orphanet 69077, MedGen C2750074, MONDO:0013224, OMIM 613325.
SMARCA4-related disorder. Also called: SMARCA4-related condition.

Allele frequency attached by ClinVar (database versions not stated): ExAC 0.00011; ESP Exome Variant Server 0.00015; gnomAD exomes 0.00015 and 0.00010; gnomAD 0.00011 and 0.00010; TOPMed 0.00012.
gnomAD v4.1: 231 of 1,613,986 alleles (0.014%); highest among the groups gnomAD compares: Non-Finnish European, 0.018%; no homozygotes.

Submissions (8):

Myriad Genetics, Inc.
Classification: Benign for Rhabdoid tumor predisposition syndrome 2. Last evaluated: 2026-07-09. Review status: criteria provided, single submitter. Criteria: Myriad Autosomal Dominant, Autosomal Recessive and X-Linked Classification Criteria (2023). Collection method: clinical testing. Allele origin: unknown.
Comment: This variant is considered benign. This variant is a silent/synonymous amino acid change and it is not expected to impact splicing.

Labcorp Genetics (formerly Invitae), Labcorp
Classification: Likely benign for Rhabdoid tumor predisposition syndrome 2. Last evaluated: 2026-02-03. Review status: criteria provided, single submitter. Criteria: Invitae Variant Classification Sherloc (09022015). Collection method: clinical testing. Allele origin: germline.

Quest Diagnostics Nichols Institute San Juan Capistrano
Classification: Likely benign. Last evaluated: 2025-02-26. Review status: criteria provided, single submitter. Criteria: Quest Diagnostics criteria. Collection method: clinical testing. Allele origin: unknown.

GeneDx
Classification: Likely benign. Last evaluated: 2021-04-26. Review status: criteria provided, single submitter. Criteria: GeneDx Variant Classification Process June 2021. Collection method: clinical testing. Allele origin: germline. Affected: yes.

Sema4
Classification: Benign for Hereditary cancer-predisposing syndrome. Last evaluated: 2020-09-19. Review status: criteria provided, single submitter. Criteria: Sema4 Curation Guidelines. Collection method: curation. Allele origin: germline.

Ambry Genetics
Classification: Likely benign for Hereditary cancer-predisposing syndrome. Last evaluated: 2015-08-27. Review status: criteria provided, single submitter. Criteria: Ambry Variant Classification Scheme 2023. Collection method: clinical testing. Allele origin: germline.

Genetic Services Laboratory, University of Chicago
Classification: Likely benign. Last evaluated: 2014-10-27. Review status: criteria provided, single submitter. Criteria: ACMG Guidelines, 2015. Collection method: clinical testing. Allele origin: germline.

PreventionGenetics, part of Exact Sciences
Classification: Likely benign for SMARCA4-related condition. Last evaluated: 2022-01-20. Review status: no assertion criteria provided. Collection method: clinical testing. Allele origin: germline. Not counted in ClinVar's aggregate classification.
Comment: This variant is classified as likely benign based on ACMG/AMP sequence variant interpretation guidelines (Richards et al. 2015 PMID: 25741868, with internal and published modifications).

NM_003072.5(SMARCA4):c.1236C>T (p.Phe412=)

Gene: SMARCA4 (SWI/SNF related BAF chromatin remodeling complex subunit ATPase 4; plus strand). Cytogenetic location: 19p13.2.
Variant type: single nucleotide variant.
Coding change: c.1236C>T on transcript NM_003072.5 (MANE Select); coding-DNA position 1236, C replaced by T.
Protein change: p.Phe412=; no amino-acid change (phenylalanine 412 retained).
Molecular consequence: synonymous variant. On other transcripts: non-coding transcript variant (1).
Genome position (GRCh38, 1-based): chr19:10,989,434, C>T. VCF-style: chr19-10989434-C-T. GRCh37 (hg19) VCF-style: chr19-11100110-C-T.
Other names: c.1236C>T, p.Phe412= (NM_001128844.3, NM_001128845.2, NM_001128846.2 and 5 more transcripts).
Identifiers: ClinVar variation 212234 (VCV000212234.26), dbSNP rs140000691, ClinGen allele CA207044.